The following is an entry in ClinVar:

NM_002303.6(LEPR):c.3201C>T (p.Phe1067=)

Gene: LEPR (leptin receptor; plus strand). Cytogenetic location: 1p31.3.
Variant type: single nucleotide variant.
Coding change: c.3201C>T on transcript NM_002303.6 (MANE Select); coding-DNA position 3201, C replaced by T.
Protein change: p.Phe1067=; no amino-acid change (phenylalanine 1067 retained).
Molecular consequence: synonymous variant.
Genome position (GRCh38, 1-based): chr1:65,636,718, C>T. VCF-style: chr1-65636718-C-T. GRCh37 (hg19) VCF-style: chr1-66102401-C-T.
Identifiers: ClinVar variation 3358490 (VCV003358490.1).

ClinVar aggregate classification (germline): Likely benign (0 of 4 stars; one submission).

Conditions:
LEPR-related disorder. Also called: LEPR-related condition; LEPR-related disorders.

gnomAD v4.1: 12 of 1,609,092 alleles (0.00075%); highest among the groups gnomAD compares: Non-Finnish European, 0.00093%; no homozygotes.

Submission:

PreventionGenetics, part of Exact Sciences
Classification: Likely benign for LEPR-related condition. Last evaluated: 2024-07-25. Review status: no assertion criteria provided. Collection method: clinical testing. Allele origin: germline.
Comment: This variant is classified as likely benign based on ACMG/AMP sequence variant interpretation guidelines (Richards et al. 2015 PMID: 25741868, with internal and published modifications).